The following is an entry in ClinVar:

NM_080732.4(EGLN2):c.5A>G (p.Asp2Gly)

Genes: EGLN2 (egl-9 family hypoxia inducible factor 2; plus strand), RAB4B-EGLN2 (RAB4B-EGLN2 readthrough (NMD candidate); plus strand). Cytogenetic location: 19q13.2.
Variant type: single nucleotide variant.
Coding change: c.5A>G on transcript NM_080732.4 (MANE Select); coding-DNA position 5, A replaced by G.
Protein change: p.Asp2Gly; replaces aspartic acid 2 with glycine.
Molecular consequence: missense variant. On other transcripts: non-coding transcript variant (1).
Genome position (GRCh38, 1-based): chr19:40,800,577, A>G. VCF-style: chr19-40800577-A-G. GRCh37 (hg19) VCF-style: chr19-41306482-A-G.
Other names: c.5A>G, p.Asp2Gly (NM_053046.4); short protein forms D2G.
Identifiers: ClinVar variation 1750977 (VCV001750977.2), dbSNP rs1228124095, ClinGen allele CA405954365.

ClinVar aggregate classification (germline): Uncertain significance (1 of 4 stars; one submission).

Allele frequency attached by ClinVar (database versions not stated): TOPMed below 0.00001; gnomAD exomes 0.00001.
gnomAD v4.1: 19 of 1,596,888 alleles (0.0012%); highest among the groups gnomAD compares: Non-Finnish European, 0.0015%; no homozygotes.

Submission:

Ambry Genetics
Classification: Uncertain significance. Last evaluated: 2023-10-22. Review status: criteria provided, single submitter. Criteria: Ambry Variant Classification Scheme 2023. Collection method: clinical testing. Allele origin: germline.
Comment: The p.D2G variant (also known as c.5A>G), located in coding exon 1 of the EGLN2 gene, results from an A to G substitution at nucleotide position 5. The aspartic acid at codon 2 is replaced by glycine, an amino acid with similar properties. This amino acid position is conserved. In addition, this alteration is predicted to be tolerated by in silico analysis. Since supporting evidence is limited at this time, the clinical significance of this alteration remains unclear.